The following is an entry in ClinVar:

ClinVar aggregate classification (germline): Uncertain significance (1 of 4 stars; one submission).

gnomAD v4.1: 14 of 1,613,426 alleles (0.00087%); highest among the groups gnomAD compares: East Asian, 0.0045%; no homozygotes.

Submission:

Labcorp Genetics (formerly Invitae), Labcorp
Classification: Uncertain significance. Last evaluated: 2025-04-17. Review status: criteria provided, single submitter. Criteria: Invitae Variant Classification Sherloc (09022015). Collection method: clinical testing. Allele origin: germline.
Comment: This sequence change replaces arginine, which is basic and polar, with cysteine, which is neutral and slightly polar, at codon 408 of the SULF1 protein (p.Arg408Cys). This variant is present in population databases (rs761408383, gnomAD 0.006%). This variant has not been reported in the literature in individuals affected with SULF1-related conditions. ClinVar contains an entry for this variant (Variation ID: 3711759). An algorithm developed to predict the effect of missense changes on protein structure and function (PolyPhen-2) suggests that this variant is likely to be disruptive. In summary, the available evidence is currently insufficient to determine the role of this variant in disease. Therefore, it has been classified as a Variant of Uncertain Significance.

NM_001128205.2(SULF1):c.1222C>T (p.Arg408Cys)

Gene: SULF1 (sulfatase 1; plus strand). Cytogenetic location: 8q13.3.
Variant type: single nucleotide variant.
Coding change: c.1222C>T on transcript NM_001128205.2 (MANE Select); coding-DNA position 1222, C replaced by T.
Protein change: p.Arg408Cys; replaces arginine 408 with cysteine.
Molecular consequence: missense variant. On other transcripts: 5 prime UTR variant (1), non-coding transcript variant (7), intron variant (2).
Genome position (GRCh38, 1-based): chr8:69,603,631, C>T. VCF-style: chr8-69603631-C-T. GRCh37 (hg19) VCF-style: chr8-70515866-C-T.
Other names: c.1222C>T, p.Arg408Cys (NM_001128204.2, NM_001128206.2, NM_001412828.1 and 12 more transcripts); c.1036C>T, p.Arg346Cys (NM_001412841.1, NM_001412842.1); c.622C>T, p.Arg208Cys (NM_001412844.1, NM_001412845.1); c.-554C>T (NM_001412846.1); c.1190+311C>T (NM_001412836.1, NM_001412837.1); c.1093C>T, p.Arg365Cys (NM_001412832.1, NM_001412838.1, NM_001412839.1 and 1 more transcripts); short protein forms R346C, R408C, R208C, R365C.
Identifiers: ClinVar variation 3711759 (VCV003711759.2).
Genomic context (GRCh38, chr8:69,603,631, plus strand): 5'-AAAAGTAAATATTATCATTTTGCTTTCAGGTTTCGAACAAACAAGAAGGCCAAAATTTGG[C>T]GTGATACATTCCTAGTGGAAAGAGGGTAATTATTGGTTCCTGGGGTGCTTCTGGGAACCA-3'
Protein context (NP_001121677.1, residues 398-418): FRTNKKAKIW[Arg408Cys]DTFLVERGKF